The following is an entry in ClinVar:

NM_006914.4(RORB):c.174C>G (p.Asn58Lys)

Gene: RORB (RAR related orphan receptor B; plus strand). Cytogenetic location: 9q21.13.
Variant type: single nucleotide variant.
Coding change: c.174C>G on transcript NM_006914.4 (MANE Select); coding-DNA position 174, C replaced by G.
Protein change: p.Asn58Lys; replaces asparagine 58 with lysine.
Molecular consequence: missense variant.
Genome position (GRCh38, 1-based): chr9:74,634,711, C>G. VCF-style: chr9-74634711-C-G. GRCh37 (hg19) VCF-style: chr9-77249627-C-G.
Other names: c.207C>G, p.Asn69Lys (NM_001365023.1); short protein forms N58K, N69K.
Identifiers: ClinVar variation 2698226 (VCV002698226.3), dbSNP rs2489566905, ClinGen allele CA373772268.

ClinVar aggregate classification (germline): Uncertain significance (1 of 4 stars; one submission).

Submission:

Labcorp Genetics (formerly Invitae), Labcorp
Classification: Uncertain significance. Last evaluated: 2024-02-26. Review status: criteria provided, single submitter. Criteria: Invitae Variant Classification Sherloc (09022015). Collection method: clinical testing. Allele origin: germline.
Comment: This sequence change replaces asparagine, which is neutral and polar, with lysine, which is basic and polar, at codon 58 of the RORB protein (p.Asn58Lys). This variant is not present in population databases (gnomAD no frequency). This variant has not been reported in the literature in individuals affected with RORB-related conditions. An algorithm developed to predict the effect of missense changes on protein structure and function (PolyPhen-2) suggests that this variant is likely to be disruptive. In summary, the available evidence is currently insufficient to determine the role of this variant in disease. Therefore, it has been classified as a Variant of Uncertain Significance.